The following is an entry in ClinVar:

ClinVar aggregate classification (germline): Pathogenic/Likely pathogenic. Review status: criteria provided, multiple submitters, no conflicts (2 of 4 stars). 3 submissions from 3 submitters: Pathogenic (2); Likely pathogenic (1). Last evaluated 2022-01-26.

Conditions:
Microcephaly, normal intelligence and immunodeficiency (NBS). Also called: BERLIN BREAKAGE SYNDROME; SEEMANOVA SYNDROME II; Immunodeficiency, microcephaly with normal intelligence; Nijmegen breakage syndrome; Microcephaly with normal intelligence immunodeficiency and lymphoreticular malignancies; Nonsyndromal microcephaly autosomal recessive with normal intelligence. Identifiers: Orphanet 647, MedGen C0398791, MONDO:0009623, OMIM 251260.

Submissions (3):

Labcorp Genetics (formerly Invitae), Labcorp
Classification: Pathogenic for Microcephaly, normal intelligence and immunodeficiency. Last evaluated: 2022-01-26. Review status: criteria provided, single submitter. Criteria: Invitae Variant Classification Sherloc (09022015). Collection method: clinical testing. Allele origin: germline.
Comment: For these reasons, this variant has been classified as Pathogenic. ClinVar contains an entry for this variant (Variation ID: 422213). This variant has not been reported in the literature in individuals affected with NBN-related conditions. This variant is not present in population databases (gnomAD no frequency). This sequence change creates a premature translational stop signal (p.Asn71Ilefs*20) in the NBN gene. It is expected to result in an absent or disrupted protein product. Loss-of-function variants in NBN are known to be pathogenic (PMID: 9590180, 16415040).

GeneDx
Classification: Likely pathogenic. Last evaluated: 2021-11-10. Review status: criteria provided, single submitter. Criteria: GeneDx Variant Classification Process June 2021. Collection method: clinical testing. Allele origin: germline. Affected: yes.
Comment: Frameshift variant predicted to result in protein truncation or nonsense mediated decay in a gene for which loss-of-function is a known mechanism of disease; Not observed at significant frequency in large population cohorts (Lek et al., 2016); Has not been previously published as pathogenic or benign to our knowledge

Genome-Nilou Lab
Classification: Pathogenic for Microcephaly, normal intelligence and immunodeficiency. Last evaluated: 2021-11-07. Review status: criteria provided, single submitter. Criteria: ACMG Guidelines, 2015. Collection method: clinical testing. Allele origin: germline. Affected: no.

Literature cited by the submitters: PubMed 9590180 (cited by Labcorp Genetics (formerly Invitae), Labcorp); PubMed 16415040 (cited by Labcorp Genetics (formerly Invitae), Labcorp).

NM_002485.5(NBN):c.212_215del (p.Asn71fs)

Gene: NBN (nibrin; minus strand). Cytogenetic location: 8q21.3.
Variant type: Deletion.
Coding change: c.212_215del on transcript NM_002485.5 (MANE Select); coding-DNA positions 212 to 215, 4 bases deleted (ATTC; older notation c.212_215delATTC).
Protein change: p.Asn71fs; shifts the reading frame from asparagine 71.
Molecular consequence: frameshift variant. On other transcripts: 5 prime UTR variant (1).
Genome position (GRCh38, 1-based): chr8:89,981,480-89,981,483, GAAT deleted on the plus strand (ATTC on the coding strand, the reverse complement: NBN is on the minus strand). VCF-style (leftmost placement, unchanged base first): chr8-89981479-AGAAT-A. GRCh37 (hg19) VCF-style: chr8-90993707-AGAAT-A.
Other names: c.212_215delATTC (NM_002485.4); c.-35_-32del (NM_001024688.3); short protein forms N71fs.
Identifiers: ClinVar variation 422213 (VCV000422213.11), dbSNP rs1064795634, ClinGen allele CA16618715.